The following is an entry in ClinVar:

ClinVar aggregate classification (germline): Likely benign (1 of 4 stars; one submission).

Allele frequency attached by ClinVar (database versions not stated): ESP Exome Variant Server 0.00056; gnomAD 0.00119; 1000 Genomes Project 0.00160.
gnomAD v4.1: 324 of 1,556,074 alleles (0.021%); highest among the groups gnomAD compares: African/African-American, 0.4%; 1 homozygote.

Submission:

CeGaT Center for Human Genetics Tuebingen
Classification: Likely benign. Last evaluated: 2022-04-01. Review status: criteria provided, single submitter. Criteria: CeGaT Center For Human Genetics Tuebingen Variant Classification Criteria Version 2. Collection method: clinical testing. Allele origin: germline. Affected: yes. Observed: 1 variant allele.
Comment: MUC5B: BP4, BP7

NM_002458.3(MUC5B):c.10302T>C (p.Thr3434=)

Genes: MUC5B (mucin 5B, oligomeric mucus/gel-forming; plus strand), MUC5B-AS1 (MUC5B antisense RNA 1; minus strand). Cytogenetic location: 11p15.5.
Variant type: single nucleotide variant.
Coding change: c.10302T>C on transcript NM_002458.3 (MANE Select); coding-DNA position 10302, T replaced by C.
Protein change: p.Thr3434=; no amino-acid change (threonine 3434 retained).
Molecular consequence: synonymous variant.
Genome position (GRCh38, 1-based): chr11:1,247,182, T>C. VCF-style: chr11-1247182-T-C. GRCh37 (hg19) VCF-style: chr11-1268412-T-C.
Identifiers: ClinVar variation 2641266 (VCV002641266.24), dbSNP rs375991593, ClinGen allele CA5807289.
Genomic context (GRCh38, chr11:1,247,182, plus strand): 5'-CATCCCCCCAGTGCTGACCACCACCGCCACCACACCTGCAGCCACCAGCAGCACAGTGAC[T>C]CCCTCCTCTGCCCTAGGGACCACCCACACACCCCCAGTGCCGAACACCACGGCCACCACA-3'
Protein context (NP_002449.2, residues 3424-3444): TTPAATSSTV[Thr3434=]PSSALGTTHT